The following is an entry in ClinVar:

NM_001378454.1(ALMS1):c.12274C>T (p.Arg4092Cys)

Genes: ALMS1 (ALMS1 centrosome and basal body associated protein; plus strand), LOC126806252 (BRD4-independent group 4 enhancer GRCh37_chr2:73828496-73829695; plus strand). Cytogenetic location: 2p13.1.
Variant type: single nucleotide variant.
Coding change: c.12274C>T on transcript NM_001378454.1 (MANE Select); coding-DNA position 12274, C replaced by T.
Protein change: p.Arg4092Cys; replaces arginine 4092 with cysteine.
Molecular consequence: missense variant.
Genome position (GRCh38, 1-based): chr2:73,602,344, C>T. VCF-style: chr2-73602344-C-T. GRCh37 (hg19) VCF-style: chr2-73829471-C-T.
Other names: c.12277C>T, p.Arg4093Cys (NM_015120.4); short protein forms R4093C, R4092C.
Identifiers: ClinVar variation 1366146 (VCV001366146.7), dbSNP rs774888526, ClinGen allele CA1715499.
Genomic context (GRCh38, chr2:73,602,344, plus strand): 5'-TTACAGACCGAGCGGGATGCACTATTCAACATTGACAGGGAACGGCAGGGCCACCAGAAT[C>T]GCATGTGCCCGCTGCCCAAGAGAGGTACGCCCTGCCCGTTCACTTTCCTGTGAGTGGAAT-3'
Protein context (NP_001365383.1, residues 4082-4102): IDRERQGHQN[Arg4092Cys]MCPLPKRVFL

ClinVar aggregate classification (germline): Uncertain significance. Review status: criteria provided, multiple submitters, no conflicts (2 of 4 stars). 2 submissions from 2 submitters: Uncertain significance (2). Last evaluated 2022-08-07.

Conditions:
Cardiovascular phenotype. Identifiers: MedGen CN230736.
Alstrom syndrome (ALMS). Identifiers: Orphanet 64, MedGen C0268425, MONDO:0008763, OMIM 203800.

Allele frequency attached by ClinVar (database versions not stated): gnomAD exomes 0.00001; ExAC 0.00002; gnomAD 0.00002; TOPMed 0.00002.
gnomAD v4.1: 13 of 1,614,056 alleles (0.00081%); highest among the groups gnomAD compares: East Asian, 0.011%; no homozygotes.

Submissions (2):

Labcorp Genetics (formerly Invitae), Labcorp
Classification: Uncertain significance for Alstrom syndrome. Last evaluated: 2022-08-07. Review status: criteria provided, single submitter. Criteria: Invitae Variant Classification Sherloc (09022015). Collection method: clinical testing. Allele origin: germline.
Comment: This sequence change replaces arginine, which is basic and polar, with cysteine, which is neutral and slightly polar, at codon 4093 of the ALMS1 protein (p.Arg4093Cys). This variant is present in population databases (rs774888526, gnomAD 0.008%). This variant has not been reported in the literature in individuals affected with ALMS1-related conditions. ClinVar contains an entry for this variant (Variation ID: 1366146). Algorithms developed to predict the effect of missense changes on protein structure and function output the following: SIFT: "Not Available"; PolyPhen-2: "Not Available"; Align-GVGD: "Not Available". The cysteine amino acid residue is found in multiple mammalian species, which suggests that this missense change does not adversely affect protein function. In summary, the available evidence is currently insufficient to determine the role of this variant in disease. Therefore, it has been classified as a Variant of Uncertain Significance.

Ambry Genetics
Classification: Uncertain significance for Cardiovascular phenotype. Last evaluated: 2019-11-19. Review status: criteria provided, single submitter. Criteria: Ambry Variant Classification Scheme 2023. Collection method: clinical testing. Allele origin: germline.
Comment: The p.R4093C variant (also known as c.12277C>T), located in coding exon 20 of the ALMS1 gene, results from a C to T substitution at nucleotide position 12277. The arginine at codon 4093 is replaced by cysteine, an amino acid with highly dissimilar properties. This amino acid position is poorly conserved in available vertebrate species. In addition, this alteration is predicted to be tolerated by in silico analysis. Since supporting evidence is limited at this time, the clinical significance of this alteration remains unclear.